The following is an entry in ClinVar:

ClinVar aggregate classification (germline): Pathogenic. Review status: no assertion criteria provided (0 of 4 stars). 2 submissions from 2 submitters: Pathogenic (1). 1 of the submissions does not count toward it. Last evaluated 2005-02-01.

Conditions:
Macrothrombocytopenia and granulocyte inclusions with or without nephritis or sensorineural hearing loss (MATINS). Also called: BLEEDING DISORDER, PLATELET-TYPE, 6; MAY-HEGGLIN ANOMALY; SEBASTIAN PLATELET SYNDROME; MACROTHROMBOCYTOPENIA WITH DISPERSED LEUKOCYTIC INCLUSIONS; MACROTHROMBOCYTOPENIA, NEPHRITIS, AND DEAFNESS; MACROTHROMBOCYTOPENIA, NEPHRITIS, DEAFNESS, AND LEUKOCYTE INCLUSIONS. Identifiers: Orphanet 182050, MedGen C5200934, MONDO:0015912, OMIM 155100.

Submissions (2):

OMIM
Classification: Pathogenic for MACROTHROMBOCYTOPENIA AND GRANULOCYTE INCLUSIONS. Last evaluated: 2005-02-01. Review status: no assertion criteria provided. Collection method: literature only. Allele origin: unknown.

GeneReviews
No classification provided. Condition: Macrothrombocytopenia and granulocyte inclusions with or without nephritis or sensorineural hearing loss. Review status: no classification provided. Collection method: literature only. Allele origin: germline. Not counted in ClinVar's aggregate classification.
Comment: Thrombocytopenia usually remains only disease manifestation throughout life

Literature cited by the submitters: PubMed 15667538 (cited by OMIM); PubMed 24186861 (cited by GeneReviews).

NM_002473.6(MYH9):c.5821del (p.Asp1941fs)

Gene: MYH9 (myosin heavy chain 9; minus strand). Cytogenetic location: 22q12.3.
Variant type: Deletion.
Coding change: c.5821del on transcript NM_002473.6 (MANE Select); coding-DNA position 5821, one base deleted (G; older notation c.5821delG).
Protein change: p.Asp1941fs; shifts the reading frame from aspartic acid 1941.
Molecular consequence: frameshift variant.
Genome position (GRCh38, 1-based): chr22:36,282,730, C deleted on the plus strand (G on the coding strand, the reverse complement: MYH9 is on the minus strand); the first of 4 consecutive C bases (chr22:36,282,730-36,282,733); deleting any one gives the same sequence. VCF-style (leftmost placement, unchanged base first): chr22-36282729-TC-T. GRCh37 (hg19) VCF-style: chr22-36678775-TC-T.
Other names: NP_002464.1:p.Asp1941MetfsTer7; short protein forms D1941fs.
Identifiers: ClinVar variation 14080 (VCV000014080.3), dbSNP rs587776808, ClinGen allele CA257099.
Genomic context (GRCh38, chr22:36,282,729, plus strand): 5'-TATTCGGCAGGTTTGGCCTCAGCCCCATCCGCTTTGCCATCTACCTCTTCGTCGGAGCCA[TC>T]CCCGGCGCCTTTCCGGGCCATTCGGCGGGGCACGACAAACGGCAGGTCCCCGCGCCTGGG-3'